The following is an entry in ClinVar:

ClinVar aggregate classification (germline): Conflicting classifications of pathogenicity. Review status: criteria provided, conflicting classifications (1 of 4 stars). 2 submissions from 2 submitters: Uncertain significance (1); Likely benign (1). Last evaluated 2025-12-08.

Conditions:
Inborn genetic diseases. Identifiers: MedGen C0950123, MeSH D030342.
Hepatic methionine adenosyltransferase deficiency. Also called: Isolated Persistent Hypermethioninemia; Deficiency of methionine adenosyltransferase; MAT I/III DEFICIENCY; Methionine adenosyltransferase deficiency. Identifiers: Orphanet 168598, MedGen C0268621, MeSH C564683, MONDO:0009607, OMIM 250850.

Allele frequency attached by ClinVar (database versions not stated): ExAC 0.00003; gnomAD 0.00004; TOPMed 0.00008.
gnomAD v4.1: 23 of 1,614,020 alleles (0.0014%); highest among the groups gnomAD compares: Admixed American, 0.005%; no homozygotes.

Submissions (2):

Labcorp Genetics (formerly Invitae), Labcorp
Classification: Uncertain significance for Hepatic methionine adenosyltransferase deficiency. Last evaluated: 2025-12-08. Review status: criteria provided, single submitter. Criteria: Invitae Variant Classification Sherloc (09022015). Collection method: clinical testing. Allele origin: germline.
Comment: This sequence change affects codon 120 of the MAT1A mRNA. It is a 'silent' change, meaning that it does not change the encoded amino acid sequence of the MAT1A protein. This variant is present in population databases (rs760413721, gnomAD 0.02%). This variant has been observed in individual(s) with methionine adenosyltransferase I/III deficiency (PMID: 32335878). ClinVar contains an entry for this variant (Variation ID: 1920882). Algorithms developed to predict the effect of sequence changes on RNA splicing suggest that this variant is not likely to affect RNA splicing. In summary, the available evidence is currently insufficient to determine the role of this variant in disease. Therefore, it has been classified as a Variant of Uncertain Significance.

Ambry Genetics
Classification: Likely benign for Inborn genetic diseases. Last evaluated: 2024-11-24. Review status: criteria provided, single submitter. Criteria: Ambry Variant Classification Scheme 2023. Collection method: clinical testing. Allele origin: germline.

Literature cited by the submitters: PubMed 32335878 (cited by Labcorp Genetics (formerly Invitae), Labcorp).

NM_000429.3(MAT1A):c.360C>T (p.Cys120=)

Gene: MAT1A (methionine adenosyltransferase 1A; minus strand). Cytogenetic location: 10q22.3.
Variant type: single nucleotide variant.
Coding change: c.360C>T on transcript NM_000429.3 (MANE Select); coding-DNA position 360, C replaced by T.
Protein change: p.Cys120=; no amino-acid change (cysteine 120 retained).
Molecular consequence: synonymous variant.
Genome position (GRCh38, 1-based): chr10:80,280,725, G>A on the plus strand (C>T on the coding strand, the complement: MAT1A is on the minus strand). VCF-style: chr10-80280725-G-A. GRCh37 (hg19) VCF-style: chr10-82040481-G-A.
Other names: c.360C>T (NM_000429.2).
Identifiers: ClinVar variation 1920882 (VCV001920882.6), dbSNP rs760413721, ClinGen allele CA5576816.